The following is an entry in ClinVar:

NM_000051.4(ATM):c.6453-4C>G

Genes: C11orf65 (chromosome 11 open reading frame 65; minus strand), ATM (ATM serine/threonine kinase; plus strand). Cytogenetic location: 11q22.3.
Variant type: single nucleotide variant.
Coding change: c.6453-4C>G on transcript NM_000051.4 (MANE Select); 4 bases into the intron before coding-DNA position 6453, C replaced by G.
Molecular consequence: intron variant.
Genome position (GRCh38, 1-based): chr11:108,321,297, C>G. VCF-style: chr11-108321297-C-G. GRCh37 (hg19) VCF-style: chr11-108192024-C-G.
Other names: c.6453-4C>G (NM_001351834.2); c.641-12226G>C (NM_001330368.2); c.*39-12226G>C (NM_001351110.2).
Identifiers: ClinVar variation 1027107 (VCV001027107.12), dbSNP rs2085189849, ClinGen allele CA1998806013.

ClinVar aggregate classification (germline): Uncertain significance. Review status: criteria provided, multiple submitters, no conflicts (2 of 4 stars). 2 submissions from 2 submitters: Uncertain significance (2). Last evaluated 2026-02-06.

Conditions:
Hereditary cancer-predisposing syndrome. Also called: Neoplastic Syndromes, Hereditary; Tumor predisposition; Hereditary Cancer Syndrome; Hereditary neoplastic syndrome. Identifiers: Orphanet 140162, MedGen C0027672, MeSH D009386, MONDO:0015356.
Ataxia-telangiectasia syndrome (AT). Also called: Ataxia telangiectasia (A-T); ATAXIA-TELANGIECTASIA, COMPLEMENTATION GROUP A; ATAXIA-TELANGIECTASIA, FRESNO VARIANT; Ataxia-telangiectasia; Ataxia-telangiectasia, complementation group E; LOUIS-BAR SYNDROME. Identifiers: Orphanet 100, MedGen C0004135, MONDO:0008840, OMIM 208900.

Submissions (2):

Ambry Genetics
Classification: Uncertain significance for Hereditary cancer-predisposing syndrome. Last evaluated: 2026-02-06. Review status: criteria provided, single submitter. Criteria: Ambry Variant Classification Scheme 2023. Collection method: clinical testing. Allele origin: germline.
Comment: The c.6453-4C>G intronic variant results from a C to G substitution 4 nucleotides upstream from coding exon 44 in the ATM gene. This nucleotide position is well conserved in available vertebrate species. In silico splice site analysis predicts that this alteration may weaken the native splice acceptor site and will result in the creation or strengthening of a novel splice acceptor site. Based on the available evidence, the clinical significance of this variant remains unclear.

Labcorp Genetics (formerly Invitae), Labcorp
Classification: Uncertain significance for Ataxia-telangiectasia syndrome. Last evaluated: 2023-09-13. Review status: criteria provided, single submitter. Criteria: Invitae Variant Classification Sherloc (09022015). Collection method: clinical testing. Allele origin: germline.
Comment: In summary, the available evidence is currently insufficient to determine the role of this variant in disease. Therefore, it has been classified as a Variant of Uncertain Significance. Algorithms developed to predict the effect of sequence changes on RNA splicing suggest that this variant may disrupt the consensus splice site. ClinVar contains an entry for this variant (Variation ID: 1027107). This variant has not been reported in the literature in individuals affected with ATM-related conditions. This variant is not present in population databases (gnomAD no frequency). This sequence change falls in intron 44 of the ATM gene. It does not directly change the encoded amino acid sequence of the ATM protein.